The following is an entry in ClinVar:

ClinVar aggregate classification (germline): Uncertain significance (1 of 4 stars; one submission).

Submission:

Women's Health and Genetics/Laboratory Corporation of America, LabCorp
Classification: Uncertain significance. Last evaluated: 2025-03-19. Review status: criteria provided, single submitter. Criteria: LabCorp Variant Classification Summary - May 2015. Collection method: clinical testing. Allele origin: germline.
Comment: Variant summary: PSEN1 c.1318A>G (p.Thr440Ala) results in a non-conservative amino acid change in the encoded protein sequence. Three of five in-silico tools predict a damaging effect of the variant on protein function. The variant allele was found at a frequency of 4e-06 in 251448 control chromosomes. The available data on variant occurrences in the general population are insufficient to allow any conclusion about variant significance. To our knowledge, no occurrence of c.1318A>G in individuals affected with Alzheimer Disease, Type 3 and no experimental evidence demonstrating its impact on protein function have been reported. No submitters have cited clinical-significance assessments for this variant to ClinVar. Based on the evidence outlined above, the variant was classified as uncertain significance.

NM_000021.4(PSEN1):c.1318A>G (p.Thr440Ala)

Gene: PSEN1 (presenilin 1; plus strand). Cytogenetic location: 14q24.2.
Variant type: single nucleotide variant.
Coding change: c.1318A>G on transcript NM_000021.4 (MANE Select); coding-DNA position 1318, A replaced by G.
Protein change: p.Thr440Ala; replaces threonine 440 with alanine.
Molecular consequence: missense variant.
Genome position (GRCh38, 1-based): chr14:73,219,203, A>G. VCF-style: chr14-73219203-A-G. GRCh37 (hg19) VCF-style: chr14-73685911-A-G.
Other names: c.1306A>G, p.Thr436Ala (NM_007318.3); short protein forms T436A, T440A.
Identifiers: ClinVar variation 3896100 (VCV003896100.1).